The following is an entry in ClinVar:

ClinVar aggregate classification (germline): Uncertain significance (1 of 4 stars; one submission).

gnomAD v4.1: 2 of 1,592,030 alleles (0.00013%); highest among the groups gnomAD compares: Non-Finnish European, 0.00017%; no homozygotes.

Submission:

GeneDx
Classification: Uncertain significance. Last evaluated: 2023-04-03. Review status: criteria provided, single submitter. Criteria: GeneDx Variant Classification Process June 2021. Collection method: clinical testing. Allele origin: germline. Affected: yes.
Comment: Not observed at significant frequency in large population cohorts (gnomAD); In silico analysis supports that this missense variant has a deleterious effect on protein structure/function; Has not been previously published as pathogenic or benign to our knowledge

NM_002430.3(MN1):c.2668C>G (p.Pro890Ala)

Gene: MN1 (MN1 proto-oncogene, transcriptional regulator; minus strand). Cytogenetic location: 22q12.1.
Variant type: single nucleotide variant.
Coding change: c.2668C>G on transcript NM_002430.3 (MANE Select); coding-DNA position 2668, C replaced by G.
Protein change: p.Pro890Ala; replaces proline 890 with alanine.
Molecular consequence: missense variant.
Genome position (GRCh38, 1-based): chr22:27,797,876, G>C on the plus strand (C>G on the coding strand, the complement: MN1 is on the minus strand). VCF-style: chr22-27797876-G-C. GRCh37 (hg19) VCF-style: chr22-28193864-G-C.
Other names: short protein forms P890A.
Identifiers: ClinVar variation 2662496 (VCV002662496.1), dbSNP rs1403168094, ClinGen allele CA411044825.
Genomic context (GRCh38, chr22:27,797,876, plus strand): 5'-GAGGGTTGGGCGGCCCCGAGGCTTTGGAGCCGCTGCTACTGGTCCCGGACGGGCCTCCGG[G>C]TCCTGGGGCCCCAGGAGCAGTCCCTCCTGGGAAGTAATCCGAGCCCGGGTTGCCGGCCAC-3'
Protein context (NP_002421.3, residues 880-900): PGGTAPGAPG[Pro890Ala]GGPSGTSSSG